The following is an entry in ClinVar:

ClinVar aggregate classification (germline): Benign/Likely benign. Review status: criteria provided, multiple submitters, no conflicts (2 of 4 stars). 4 submissions from 4 submitters: Benign (1); Likely benign (3). Last evaluated 2024-03-18.

Conditions:
Familial adenomatous polyposis 1 (FAP1). Also called: FAMILIAL ADENOMATOUS POLYPOSIS 1, ATTENUATED; POLYPOSIS, ADENOMATOUS INTESTINAL. Identifiers: MedGen C2713442, MONDO:0021056, OMIM 175100. Disease mechanism: loss of function.
Hereditary cancer-predisposing syndrome. Also called: Tumor predisposition; Hereditary neoplastic syndrome; Hereditary Cancer Syndrome; Neoplastic Syndromes, Hereditary. Identifiers: Orphanet 140162, MedGen C0027672, MeSH D009386, MONDO:0015356.
Classic or attenuated familial adenomatous polyposis. Identifiers: MedGen CN372698, MONDO:0021057.

Submissions (4):

Myriad Genetics, Inc.
Classification: Benign for Familial adenomatous polyposis 1. Last evaluated: 2024-03-18. Review status: criteria provided, single submitter. Criteria: Myriad Autosomal Dominant, Autosomal Recessive and X-Linked Classification Criteria (2023). Collection method: clinical testing. Allele origin: unknown.
Comment: This variant is considered benign. This variant is a silent/synonymous amino acid change and it is not expected to impact splicing.

All of Us Research Program, National Institutes of Health
Classification: Likely benign for Classic or attenuated familial adenomatous polyposis. Last evaluated: 2023-07-22. Review status: criteria provided, single submitter. Criteria: ACMG Guidelines, 2015. Collection method: clinical testing. Allele origin: germline. Inheritance: Autosomal dominant inheritance. Observed: 1 variant allele, 1 heterozygote.
Comment: This study involves interpretation of variants in research participants for the purpose of population health screening. Participant phenotype was not available at the time of variant classification. Additional details can be found in publication PMID: 35346344, PMCID: PMC8962531

Color Diagnostics, LLC DBA Color Health
Classification: Likely benign for Hereditary cancer-predisposing syndrome. Last evaluated: 2020-10-05. Review status: criteria provided, single submitter. Criteria: ACMG Guidelines, 2015. Collection method: clinical testing. Allele origin: germline.

Ambry Genetics
Classification: Likely benign for Hereditary cancer-predisposing syndrome. Last evaluated: 2020-06-24. Review status: criteria provided, single submitter. Criteria: Ambry Variant Classification Scheme 2023. Collection method: clinical testing. Allele origin: germline.

NM_000038.6(APC):c.3141A>G (p.Glu1047=)

Gene: APC (APC regulator of Wnt signaling pathway; plus strand). Cytogenetic location: 5q22.2.
Variant type: single nucleotide variant.
Coding change: c.3141A>G on transcript NM_000038.6 (MANE Select); coding-DNA position 3141, A replaced by G.
Protein change: p.Glu1047=; no amino-acid change (glutamic acid 1047 retained).
Molecular consequence: synonymous variant.
Genome position (GRCh38, 1-based): chr5:112,838,735, A>G. VCF-style: chr5-112838735-A-G. GRCh37 (hg19) VCF-style: chr5-112174432-A-G.
Other names: c.3141A>G, p.Glu1047= (NM_001127510.3, NM_001354895.2); c.3087A>G, p.Glu1029= (NM_001127511.3); c.3195A>G, p.Glu1065= (NM_001354896.2); c.3171A>G, p.Glu1057= (NM_001354897.2); c.3066A>G, p.Glu1022= (NM_001354898.2); c.3057A>G, p.Glu1019= (NM_001354899.2); c.3018A>G, p.Glu1006= (NM_001354900.2); c.2964A>G, p.Glu988= (NM_001354901.2); and 5 more.
Identifiers: ClinVar variation 1171545 (VCV001171545.5), dbSNP rs2149885282, ClinGen allele CA445963200.